The following is an entry in ClinVar:

ClinVar aggregate classification (germline): Uncertain significance (1 of 4 stars; one submission).

Conditions:
T-B+ severe combined immunodeficiency due to JAK3 deficiency. Also called: SCID, autosomal recessive, T-negative/B-positive type; SCID, T CELL-NEGATIVE, B CELL-POSITIVE, NK CELL-NEGATIVE. Identifiers: Orphanet 35078, MedGen C1833275, MONDO:0010938, OMIM 600802.

Allele frequency attached by ClinVar (database versions not stated): TOPMed 0.00001.
gnomAD v4.1: 2 of 1,589,616 alleles (0.00013%); highest among the groups gnomAD compares: African/African-American, 0.0027%; no homozygotes.

Submission:

Labcorp Genetics (formerly Invitae), Labcorp
Classification: Uncertain significance for T-B+ severe combined immunodeficiency due to JAK3 deficiency. Last evaluated: 2021-09-01. Review status: criteria provided, single submitter. Criteria: Invitae Variant Classification Sherloc (09022015). Collection method: clinical testing. Allele origin: germline.
Comment: This sequence change replaces isoleucine with leucine at codon 213 of the JAK3 protein (p.Ile213Leu). The isoleucine residue is highly conserved and there is a small physicochemical difference between isoleucine and leucine. This variant is not present in population databases (ExAC no frequency). This variant has not been reported in the literature in individuals affected with JAK3-related conditions. Algorithms developed to predict the effect of missense changes on protein structure and function (SIFT, PolyPhen-2, Align-GVGD) all suggest that this variant is likely to be tolerated. In summary, the available evidence is currently insufficient to determine the role of this variant in disease. Therefore, it has been classified as a Variant of Uncertain Significance.

NM_000215.4(JAK3):c.637A>C (p.Ile213Leu)

Gene: JAK3 (Janus kinase 3; minus strand). Cytogenetic location: 19p13.11.
Variant type: single nucleotide variant.
Coding change: c.637A>C on transcript NM_000215.4 (MANE Select); coding-DNA position 637, A replaced by C.
Protein change: p.Ile213Leu; replaces isoleucine 213 with leucine.
Molecular consequence: missense variant.
Genome position (GRCh38, 1-based): chr19:17,842,540, T>G on the plus strand (A>C on the coding strand, the complement: JAK3 is on the minus strand). VCF-style: chr19-17842540-T-G. GRCh37 (hg19) VCF-style: chr19-17953349-T-G.
Other names: short protein forms I213L.
Identifiers: ClinVar variation 1003727 (VCV001003727.6), dbSNP rs1007002260, ClinGen allele CA306140323.